The following is an entry in ClinVar:

ClinVar aggregate classification (germline): Uncertain significance. Review status: criteria provided, multiple submitters, no conflicts (2 of 4 stars). 2 submissions from 2 submitters: Uncertain significance (2). Last evaluated 2025-11-24.

Conditions:
Rothmund-Thomson syndrome type 2 (RTS2). Identifiers: Orphanet 221016, MedGen C5203410, MONDO:0016369, OMIM 268400.
Baller-Gerold syndrome (BGS). Also called: CRANIOSYNOSTOSIS WITH RADIAL DEFECTS. Identifiers: Orphanet 1225, MedGen C0265308, MONDO:0009039, OMIM 218600.

Allele frequency attached by ClinVar (database versions not stated): TOPMed 0.00002.
gnomAD v4.1: 18 of 1,612,250 alleles (0.0011%); highest among the groups gnomAD compares: Non-Finnish European, 0.0015%; no homozygotes.

Submissions (2):

Labcorp Genetics (formerly Invitae), Labcorp
Classification: Uncertain significance for Baller-Gerold syndrome. Last evaluated: 2025-11-24. Review status: criteria provided, single submitter. Criteria: Invitae Variant Classification Sherloc (09022015). Collection method: clinical testing. Allele origin: germline.
Comment: This sequence change replaces serine, which is neutral and polar, with arginine, which is basic and polar, at codon 97 of the RECQL4 protein (p.Ser97Arg). This variant is present in population databases (rs762806249, gnomAD 0.002%). This variant has not been reported in the literature in individuals affected with RECQL4-related conditions. ClinVar contains an entry for this variant (Variation ID: 860743). Invitae Evidence Modeling of protein sequence and biophysical properties (such as structural, functional, and spatial information, amino acid conservation, physicochemical variation, residue mobility, and thermodynamic stability) indicates that this missense variant is not expected to disrupt RECQL4 protein function with a negative predictive value of 80%. In summary, the available evidence is currently insufficient to determine the role of this variant in disease. Therefore, it has been classified as a Variant of Uncertain Significance.

St. Jude Molecular Pathology, St. Jude Children's Research Hospital
Classification: Uncertain significance for Rothmund-Thomson syndrome type 2. Last evaluated: 2024-04-11. Review status: criteria provided, single submitter. Criteria: St. Jude Assertion Criteria 2020. Collection method: clinical testing. Allele origin: germline.
Comment: The RECQL4 c.291C>A (p.Ser97Arg) missense change has a maximum subpopulation frequency of 0.002% in gnomAD v2.1.1. In silico tools predict a benign effect on protein function, but this prediction has not been confirmed by functional studies. This variant has not been reported in individuals with RECQL4-associated conditions. In summary, the evidence currently available is insufficient to determine the clinical significance of this variant. It has therefore been classified as of uncertain significance.

NM_004260.4(RECQL4):c.291C>A (p.Ser97Arg)

Gene: RECQL4 (RecQ like helicase 4; minus strand). Cytogenetic location: 8q24.3.
Variant type: single nucleotide variant.
Coding change: c.291C>A on transcript NM_004260.4 (MANE Select); coding-DNA position 291, C replaced by A.
Protein change: p.Ser97Arg; replaces serine 97 with arginine.
Molecular consequence: missense variant.
Genome position (GRCh38, 1-based): chr8:144,517,113, G>T on the plus strand (C>A on the coding strand, the complement: RECQL4 is on the minus strand). VCF-style: chr8-144517113-G-T. GRCh37 (hg19) VCF-style: chr8-145742497-G-T.
Other names: short protein forms S97R.
Identifiers: ClinVar variation 860743 (VCV000860743.7), dbSNP rs762806249, ClinGen allele CA4949396.
Genomic context (GRCh38, chr8:144,517,113, plus strand): 5'-CAGGGTGCCTTTCAGATTGGCCTTGAGCCGCTGCCCGTAGTCCGGCACCGAGCCCTGGCG[G>T]CTCCGCCCTGGCGTAGACTGTGGACTCTTGGTCGCAGCCCGATTCAGATGGGGCCCCCAG-3'
Protein context (NP_004251.4, residues 87-107): TKSPQSTPGR[Ser97Arg]RQGSVPDYGQ